The following is an entry in ClinVar:

NM_001370259.2(MEN1):c.463T>C (p.Ser155Pro)

Gene: MEN1 (menin 1; minus strand). Cytogenetic location: 11q13.1.
Variant type: single nucleotide variant.
Coding change: c.463T>C on transcript NM_001370259.2 (MANE Select); coding-DNA position 463, T replaced by C.
Protein change: p.Ser155Pro; replaces serine 155 with proline.
Molecular consequence: missense variant. On other transcripts: non-coding transcript variant (4).
Genome position (GRCh38, 1-based): chr11:64,808,082, A>G on the plus strand (T>C on the coding strand, the complement: MEN1 is on the minus strand). VCF-style: chr11-64808082-A-G. GRCh37 (hg19) VCF-style: chr11-64575554-A-G.
Other names: c.478T>C, p.Ser160Pro (NM_000244.4, NM_001407145.1, NM_001407150.1 and 5 more transcripts); c.463T>C, p.Ser155Pro (NM_001370251.2, NM_001370260.2, NM_001370261.2 and 12 more transcripts); short protein forms S160P, S155P.
Identifiers: ClinVar variation 3872236 (VCV003872236.1).

ClinVar aggregate classification (germline): Uncertain significance (1 of 4 stars; one submission).

Conditions:
Hereditary cancer-predisposing syndrome. Also called: Tumor predisposition; Neoplastic Syndromes, Hereditary; Hereditary Cancer Syndrome; Hereditary neoplastic syndrome. Identifiers: Orphanet 140162, MedGen C0027672, MeSH D009386, MONDO:0015356.

Submission:

Ambry Genetics
Classification: Uncertain significance for Hereditary cancer-predisposing syndrome. Last evaluated: 2025-02-21. Review status: criteria provided, single submitter. Criteria: Ambry Variant Classification Scheme 2023. Collection method: clinical testing. Allele origin: germline.
Comment: The p.S155P variant (also known as c.463T>C), located in coding exon 2 of the MEN1 gene, results from a T to C substitution at nucleotide position 463. The serine at codon 155 is replaced by proline, an amino acid with similar properties. This amino acid position is conserved. In addition, this alteration is predicted to be deleterious by in silico analysis. Based on the available evidence, the clinical significance of this variant remains unclear.